The following is an entry in ClinVar:

ClinVar aggregate classification (germline): Uncertain significance (1 of 4 stars; one submission).

Conditions:
Inborn genetic diseases. Identifiers: MedGen C0950123, MeSH D030342.

gnomAD v4.1: 6 of 1,604,172 alleles (0.00037%); highest among the groups gnomAD compares: Admixed American, 0.0034%; no homozygotes.

Submission:

Ambry Genetics
Classification: Uncertain significance for Inborn genetic diseases. Last evaluated: 2025-09-19. Review status: criteria provided, single submitter. Criteria: Ambry Variant Classification Scheme 2023. Collection method: clinical testing. Allele origin: germline.
Comment: The p.S1041G variant (also known as c.3121A>G), located in coding exon 31 of the RTEL1 gene, results from an A to G substitution at nucleotide position 3121. The serine at codon 1041 is replaced by glycine, an amino acid with similar properties. This amino acid position is conserved. In addition, this alteration is predicted to be tolerated by in silico analysis. Based on the available evidence, the clinical significance of this variant remains unclear.

NM_001283009.2(RTEL1):c.3121A>G (p.Ser1041Gly)

Genes: RTEL1 (regulator of telomere elongation helicase 1; plus strand), RTEL1-TNFRSF6B (RTEL1-TNFRSF6B readthrough (NMD candidate); plus strand). Cytogenetic location: 20q13.33.
Variant type: single nucleotide variant.
Coding change: c.3121A>G on transcript NM_001283009.2 (MANE Select); coding-DNA position 3121, A replaced by G.
Protein change: p.Ser1041Gly; replaces serine 1041 with glycine.
Molecular consequence: missense variant. On other transcripts: non-coding transcript variant (1).
Genome position (GRCh38, 1-based): chr20:63,694,752, A>G. VCF-style: chr20-63694752-A-G. GRCh37 (hg19) VCF-style: chr20-62326105-A-G.
Other names: c.2452A>G, p.Ser818Gly (NM_001283010.1); c.3121A>G, p.Ser1041Gly (NM_016434.4); c.3193A>G, p.Ser1065Gly (NM_032957.5); short protein forms S818G, S1041G, S1065G.
Identifiers: ClinVar variation 4629508 (VCV004629508.1).